The following is an entry in ClinVar:

NM_001130438.3(SPTAN1):c.1112G>A (p.Arg371His)

Gene: SPTAN1 (spectrin alpha, non-erythrocytic 1; plus strand). Cytogenetic location: 9q34.11.
Variant type: single nucleotide variant.
Coding change: c.1112G>A on transcript NM_001130438.3 (MANE Select); coding-DNA position 1112, G replaced by A.
Protein change: p.Arg371His; replaces arginine 371 with histidine.
Molecular consequence: missense variant.
Genome position (GRCh38, 1-based): chr9:128,578,136, G>A. VCF-style: chr9-128578136-G-A. GRCh37 (hg19) VCF-style: chr9-131340415-G-A.
Other names: c.1112G>A, p.Arg371His (NM_001195532.2, NM_001363759.2, NM_001363765.2 and 1 more transcripts); short protein forms R371H.
Identifiers: ClinVar variation 509923 (VCV000509923.1), dbSNP rs1554742488, ClinGen allele CA375051399.

ClinVar aggregate classification (germline): Likely benign (1 of 4 stars; one submission).

Submission:

GeneDx
Classification: Likely benign. Last evaluated: 2017-09-28. Review status: criteria provided, single submitter. Criteria: GeneDx Variant Classification (06012015). Collection method: clinical testing. Allele origin: germline. Affected: yes.
Comment: This variant is considered likely benign or benign based on one or more of the following criteria: it is a conservative change, it occurs at a poorly conserved position in the protein, it is predicted to be benign by multiple in silico algorithms, and/or has population frequency not consistent with disease.